The following is an entry in ClinVar:

NM_007078.3(LDB3):c.263C>G (p.Pro88Arg)

Gene: LDB3 (LIM domain binding 3; plus strand). Cytogenetic location: 10q23.2.
Variant type: single nucleotide variant.
Coding change: c.263C>G on transcript NM_007078.3 (MANE Select); coding-DNA position 263, C replaced by G.
Protein change: p.Pro88Arg; replaces proline 88 with arginine.
Molecular consequence: missense variant.
Genome position (GRCh38, 1-based): chr10:86,680,099, C>G. VCF-style: chr10-86680099-C-G. GRCh37 (hg19) VCF-style: chr10-88439856-C-G.
Other names: c.263C>G, p.Pro88Arg (NM_001080114.2, NM_001080115.2, NM_001080116.1 and 8 more transcripts); short protein forms P88R.
Identifiers: ClinVar variation 2563926 (VCV002563926.2), dbSNP rs576552387, ClinGen allele CA377452167.

ClinVar aggregate classification (germline): Uncertain significance (1 of 4 stars; one submission).

Conditions:
Cardiovascular phenotype. Identifiers: MedGen CN230736.

Submission:

Ambry Genetics
Classification: Uncertain significance for Cardiovascular phenotype. Last evaluated: 2023-06-09. Review status: criteria provided, single submitter. Criteria: Ambry Variant Classification Scheme 2023. Collection method: clinical testing. Allele origin: germline.
Comment: The p.P88R variant (also known as c.263C>G), located in coding exon 3 of the LDB3 gene, results from a C to G substitution at nucleotide position 263. The proline at codon 88 is replaced by arginine, an amino acid with dissimilar properties. This amino acid position is conserved. In addition, this alteration is predicted to be tolerated by in silico analysis. Since supporting evidence is limited at this time, the clinical significance of this alteration remains unclear.